The following is an entry in ClinVar:

NM_000093.5(COL5A1):c.4307C>T (p.Pro1436Leu)

Gene: COL5A1 (collagen type V alpha 1 chain; plus strand). Cytogenetic location: 9q34.3.
Variant type: single nucleotide variant.
Coding change: c.4307C>T on transcript NM_000093.5 (MANE Select); coding-DNA position 4307, C replaced by T.
Protein change: p.Pro1436Leu; replaces proline 1436 with leucine.
Molecular consequence: missense variant.
Genome position (GRCh38, 1-based): chr9:134,818,732, C>T. VCF-style: chr9-134818732-C-T. GRCh37 (hg19) VCF-style: chr9-137710578-C-T.
Other names: p.P1436L:CCG>CTG; p.Pro1436Leu; c.4307C>T, p.Pro1436Leu (NM_001278074.1); short protein forms P1436L.
Identifiers: ClinVar variation 212977 (VCV000212977.31), dbSNP rs752334702, ClinGen allele CA322692.
Genomic context (GRCh38, chr9:134,818,732, plus strand): 5'-AAGGCCCTCCTGGGAAGACTGGCCCCATCGGCCCCCAGGGGGCCCCTGGGAAGCCCGGAC[C>T]GGATGGCCTTCGAGGGATCCCTGGCCCTGTGGTGAGTAGGCTGTGAGGGGCAGAGGGGTT-3'
Protein context (NP_000084.3, residues 1426-1446): GPQGAPGKPG[Pro1436Leu]DGLRGIPGPV

ClinVar aggregate classification (germline): Conflicting classifications of pathogenicity. Review status: criteria provided, conflicting classifications (1 of 4 stars). 8 submissions from 8 submitters: Uncertain significance (6); Benign (1); Likely benign (1). Last evaluated 2026-01-25.

Conditions:
Fibromuscular dysplasia, multifocal. Identifiers: MedGen C5543412, MONDO:0859151, OMIM 619329.
Ehlers-Danlos syndrome, classic type, 1 (EDSCL1). Also called: EHLERS-DANLOS SYNDROME, GRAVIS TYPE; EHLERS-DANLOS SYNDROME, SEVERE CLASSIC TYPE; Ehlers-Danlos syndrome, type 1; Ehlers-Danlos Syndrome, Classic Type, COL5A1-Related; EDS I. Identifiers: MedGen C0268335, MONDO:0019567, OMIM 130000.
Connective tissue disorder. Also called: Connective tissue disease. Identifiers: MedGen C0009782, MONDO:0003900.
Familial thoracic aortic aneurysm and aortic dissection (TAAD). Also called: Thoracic aortic aneurysms and dissections. Identifiers: Orphanet 91387, MedGen C4707243, MONDO:0019625.
Ehlers-Danlos syndrome, classic type (cEDS). Identifiers: Orphanet 287, MedGen C4225429, MONDO:0007522.

Allele frequency attached by ClinVar (database versions not stated): gnomAD exomes 0.00002 and 0.00009; ExAC 0.00005; TOPMed 0.00006; gnomAD 0.00007 and 0.00008.
gnomAD v4.1: 139 of 1,611,614 alleles (0.0086%); highest among the groups gnomAD compares: Non-Finnish European, 0.011%; no homozygotes.

Submissions (8):

Labcorp Genetics (formerly Invitae), Labcorp
Classification: Benign for Ehlers-Danlos syndrome, classic type, 1. Last evaluated: 2026-01-25. Review status: criteria provided, single submitter. Criteria: Invitae Variant Classification Sherloc (09022015). Collection method: clinical testing. Allele origin: germline.

Ambry Genetics
Classification: Uncertain significance for Familial thoracic aortic aneurysm and aortic dissection. Last evaluated: 2025-11-20. Review status: criteria provided, single submitter. Criteria: Ambry Variant Classification Scheme 2023. Collection method: clinical testing. Allele origin: germline.
Comment: The p.P1436L variant (also known as c.4307C>T), located in coding exon 55 of the COL5A1 gene, results from a C to T substitution at nucleotide position 4307. The proline at codon 1436 is replaced by leucine, an amino acid with similar properties. This alteration has been reported in a subject with internal carotid artery dissection (H&auml;rtl J et al. J Neurol, 2023 Mar;270:1501-1511). This amino acid position is well conserved in available vertebrate species. In addition, the in silico prediction for this alteration is inconclusive. Since supporting evidence is limited at this time, the clinical significance of this alteration remains unclear.

Women's Health and Genetics/Laboratory Corporation of America, LabCorp
Classification: Likely benign. Last evaluated: 2025-07-23. Review status: criteria provided, single submitter. Criteria: LabCorp Variant Classification Summary - May 2015. Collection method: clinical testing. Allele origin: germline.
Comment: Variant summary: COL5A1 c.4307C>T (p.Pro1436Leu) results in a non-conservative amino acid change in the encoded protein sequence. Algorithms developed to predict the effect of missense changes on protein structure and function all suggest that this variant is likely to be disruptive. The variant allele was found at a frequency of 8.6e-05 in 1611614 control chromosomes, predominantly at a frequency of 0.00011 within the Non-Finnish European subpopulation in the gnomAD database. The observed variant frequency within Non-Finnish European control individuals in the gnomAD database is approximately 3.52 fold of the estimated maximal expected allele frequency for a pathogenic variant in COL5A1 causing Ehlers-Danlos syndrome, classic type, Ehlers-Danlos syndrome, classic type, 1 phenotype (3.1e-05). To our knowledge, no occurrence of c.4307C>T in individuals affected with Ehlers-Danlos syndrome, classic type, Ehlers-Danlos syndrome, classic type, 1 and no experimental evidence demonstrating its impact on protein function have been reported. ClinVar contains an entry for this variant (Variation ID: 212977). Based on the evidence outlined above, the variant was classified as likely benign.

GeneDx
Classification: Uncertain significance. Last evaluated: 2025-06-17. Review status: criteria provided, single submitter. Criteria: GeneDx Variant Classification Process June 2021. Collection method: clinical testing. Allele origin: germline. Affected: yes.
Comment: Identified in a patient with ischemic stroke and internal carotid artery dissection (PMID: 36411388); In silico analysis supports that this missense variant has a deleterious effect on protein structure/function; Occurs in the triple helical domain at the X position in the canonical Gly-X-Y repeat; although this variant may have an effect on normal protein folding and function, missense substitution at the X position is not a common mechanism of disease (PMID: 22696272; HGMD); This variant is associated with the following publications: (PMID: 22696272, 36411388)

CeGaT Center for Human Genetics Tuebingen
Classification: Uncertain significance. Last evaluated: 2025-03-01. Review status: criteria provided, single submitter. Criteria: CeGaT Center For Human Genetics Tuebingen Variant Classification Criteria Version 2. Collection method: clinical testing. Allele origin: germline. Affected: yes. Observed: 1 variant allele.

Mayo Clinic Laboratories, Mayo Clinic
Classification: Uncertain significance. Last evaluated: 2025-02-28. Review status: criteria provided, single submitter. Criteria: ACMG Guidelines, 2015. Collection method: clinical testing. Allele origin: germline. Observed: 1 variant allele.
Comment: BS1

Fulgent Genetics
Classification: Uncertain significance for Ehlers-Danlos syndrome, classic type, 1; Fibromuscular dysplasia, multifocal. Last evaluated: 2021-11-15. Review status: criteria provided, single submitter. Criteria: ACMG Guidelines, 2015. Collection method: clinical testing. Allele origin: unknown.

Center for Human Genetics, Inc
Classification: Uncertain significance for Connective tissue disorder. Last evaluated: 2016-11-01. Review status: criteria provided, single submitter. Criteria: ACMG Guidelines, 2015. Collection method: clinical testing. Allele origin: germline. Affected: yes.

Literature cited by the submitters: PubMed 36411388 (cited by Ambry Genetics and Mayo Clinic Laboratories, Mayo Clinic).